The following is an entry in ClinVar:

ClinVar aggregate classification (germline): Pathogenic. Review status: criteria provided, multiple submitters, no conflicts (2 of 4 stars). 4 submissions from 4 submitters: Pathogenic (3). 1 of the submissions does not count toward it. Last evaluated 2024-02-07.

Conditions:
OAT-related disorder. Also called: OAT-related condition.
Ornithine aminotransferase deficiency (GACR). Also called: OKT DEFICIENCY; Ornithine ketoacid aminotransferase deficiency; Gyrate atrophy; Gyrate atrophy of choroid and retina; Girate atrophy of the retina; HYPERORNITHINEMIA WITH GYRATE ATROPHY OF CHOROID AND RETINA. Identifiers: Orphanet 414, MedGen C0018425, MONDO:0009796, OMIM 258870.

Allele frequency attached by ClinVar (database versions not stated): gnomAD exomes below 0.00001; TOPMed below 0.00001; gnomAD 0.00001.

Submissions (4):

Labcorp Genetics (formerly Invitae), Labcorp
Classification: Pathogenic for Ornithine aminotransferase deficiency. Last evaluated: 2024-02-07. Review status: criteria provided, single submitter. Criteria: Invitae Variant Classification Sherloc (09022015). Collection method: clinical testing. Allele origin: germline.
Comment: This sequence change replaces threonine, which is neutral and polar, with methionine, which is neutral and non-polar, at codon 181 of the OAT protein (p.Thr181Met). This variant is present in population databases (rs386833613, gnomAD 0.0009%). This missense change has been observed in individual(s) with gyrate atrophy (PMID: 8670789, 33090715). In at least one individual the data is consistent with being in trans (on the opposite chromosome) from a pathogenic variant. ClinVar contains an entry for this variant (Variation ID: 56131). Advanced modeling of protein sequence and biophysical properties (such as structural, functional, and spatial information, amino acid conservation, physicochemical variation, residue mobility, and thermodynamic stability) performed at Invitae indicates that this missense variant is expected to disrupt OAT protein function with a positive predictive value of 80%. For these reasons, this variant has been classified as Pathogenic.

Baylor Genetics
Classification: Pathogenic for Ornithine aminotransferase deficiency. Last evaluated: 2022-12-04. Review status: criteria provided, single submitter. Criteria: ACMG Guidelines, 2015. Collection method: clinical testing. Allele origin: unknown.

Blueprint Genetics
Classification: Pathogenic for OAT-related disorders. Last evaluated: 2019-10-17. Review status: criteria provided, single submitter. Criteria: ACMG Guidelines, 2015. Collection method: clinical testing. Allele origin: germline. Affected: yes. Observed: 1 variant allele.

Juha Muilu Group; Institute for Molecular Medicine Finland (FIMM)
Classification: Likely pathogenic for Ornithine aminotransferase deficiency. Review status: no assertion criteria provided. Collection method: not provided. Allele origin: unknown. Not counted in ClinVar's aggregate classification.
Comment: FinDis database variant: This variant was not found or characterized by our laboratory, data were collected from public sources: see reference
ClinVar note: Converted during submission from probable-pathogenic to Likely pathogenic.

Literature cited by the submitters: PubMed 8670789 (cited by Labcorp Genetics (formerly Invitae), Labcorp); PubMed 33090715 (cited by Labcorp Genetics (formerly Invitae), Labcorp).

NM_000274.4(OAT):c.542C>T (p.Thr181Met)

Gene: OAT (ornithine aminotransferase; minus strand). Cytogenetic location: 10q26.13.
Variant type: single nucleotide variant.
Coding change: c.542C>T on transcript NM_000274.4 (MANE Select); coding-DNA position 542, C replaced by T.
Protein change: p.Thr181Met; replaces threonine 181 with methionine.
Molecular consequence: missense variant. On other transcripts: 5 prime UTR variant (1).
Genome position (GRCh38, 1-based): chr10:124,405,542, G>A on the plus strand (C>T on the coding strand, the complement: OAT is on the minus strand). VCF-style: chr10-124405542-G-A. GRCh37 (hg19) VCF-style: chr10-126094111-G-A.
Other names: c.128C>T, p.Thr43Met (NM_001171814.2); c.542C>T, p.Thr181Met (NM_001322965.2, NM_001322966.2, NM_001322967.2 and 3 more transcripts); c.221C>T, p.Thr74Met (NM_001322971.2); c.-59C>T (NM_001322974.2); short protein forms T181M, T43M, T74M.
Identifiers: ClinVar variation 56131 (VCV000056131.8), dbSNP rs386833613, ClinGen allele CA144165.